The following is an entry in ClinVar:

ClinVar aggregate classification (germline): Uncertain significance (1 of 4 stars; one submission).

Conditions:
Developmental and epileptic encephalopathy, 11 (DEE11). Also called: Early infantile epileptic encephalopathy 11. Identifiers: Orphanet 1934, MedGen C3150987, MONDO:0013388, OMIM 613721.
Seizures, benign familial infantile, 3 (BFIS3). Also called: Familial neonatal seizures; CONVULSIONS, BENIGN FAMILIAL INFANTILE, 3. Identifiers: Orphanet 140927, Orphanet 306, MedGen C1843140, MONDO:0011904, OMIM 607745.
Episodic ataxia, type 9. Identifiers: MedGen C5394520, MONDO:0030064, OMIM 618924.

Submission:

Juno Genomics, Hangzhou Juno Genomics, Inc
Classification: Uncertain significance for Developmental and epileptic encephalopathy, 11; Episodic ataxia, type 9; Seizures, benign familial infantile, 3. Review status: criteria provided, single submitter. Criteria: ACMG Guidelines, 2015. Collection method: clinical testing. Allele origin: germline. Affected: yes.
Comment: Null variant in a gene where loss of function (LOF) is a known mechanism of disease.;Absent from controls (or at extremely low frequency if recessive) in Genome Aggregation Database, Exome Sequencing Project, 1000 Genomes Project, or Exome Aggregation Consortium.

NM_001040142.2(SCN2A):c.4832del (p.Leu1611fs)

Gene: SCN2A (sodium voltage-gated channel alpha subunit 2; plus strand). Cytogenetic location: 2q24.3.
Variant type: Deletion.
Coding change: c.4832del on transcript NM_001040142.2 (MANE Select); coding-DNA position 4832, one base deleted (T; older notation c.4832delT).
Protein change: p.Leu1611fs; shifts the reading frame from leucine 1611.
Molecular consequence: frameshift variant.
Genome position (GRCh38, 1-based): chr2:165,388,638, T deleted. VCF-style (leftmost placement, unchanged base first): chr2-165388637-CT-C. GRCh37 (hg19) VCF-style: chr2-166245147-CT-C.
Other names: c.4832del, p.Leu1611fs (NM_001040143.2, NM_001371246.1, NM_001371247.1 and 1 more transcripts); short protein forms L1611fs.
Identifiers: ClinVar variation 3382095 (VCV003382095.2).